The following is an entry in ClinVar:

ClinVar aggregate classification (germline): Uncertain significance. Review status: criteria provided, single submitter (1 of 4 stars). 2 submissions from 2 submitters: Uncertain significance (1). 1 of the submissions does not count toward it. Last evaluated 2021-08-13.

Conditions:
Inborn genetic diseases. Identifiers: MedGen C0950123, MeSH D030342.
SCAPER-related disorder. Also called: SCAPER-related condition.

Allele frequency attached by ClinVar (database versions not stated): ExAC 0.00004; gnomAD 0.00005; TOPMed 0.00005; ESP Exome Variant Server 0.00009; gnomAD exomes 0.00015.
gnomAD v4.1: 209 of 1,544,726 alleles (0.014%); highest among the groups gnomAD compares: Middle Eastern, 0.019%; no homozygotes.

Submissions (2):

Ambry Genetics
Classification: Uncertain significance for Inborn genetic diseases. Last evaluated: 2021-08-13. Review status: criteria provided, single submitter. Criteria: Ambry Variant Classification Scheme 2023. Collection method: clinical testing. Allele origin: germline.

PreventionGenetics, part of Exact Sciences
Classification: Uncertain significance for SCAPER-related condition. Last evaluated: 2024-07-24. Review status: no assertion criteria provided. Collection method: clinical testing. Allele origin: germline. Not counted in ClinVar's aggregate classification.
Comment: The SCAPER c.145G>C variant is predicted to result in the amino acid substitution p.Gly49Arg. To our knowledge, this variant has not been reported in the literature. This variant is reported in 0.0082% of alleles in individuals of European (Non-Finnish) descent in gnomAD. At this time, the clinical significance of this variant is uncertain due to the absence of conclusive functional and genetic evidence.

NM_020843.4(SCAPER):c.145G>C (p.Gly49Arg)

Gene: SCAPER (S-phase cyclin A associated protein in the ER; minus strand). Cytogenetic location: 15q24.3.
Variant type: single nucleotide variant.
Coding change: c.145G>C on transcript NM_020843.4 (MANE Select); coding-DNA position 145, G replaced by C.
Protein change: p.Gly49Arg; replaces glycine 49 with arginine.
Molecular consequence: missense variant. On other transcripts: 5 prime UTR variant (4), non-coding transcript variant (1).
Genome position (GRCh38, 1-based): chr15:76,857,859, C>G on the plus strand (G>C on the coding strand, the complement: SCAPER is on the minus strand). VCF-style: chr15-76857859-C-G. GRCh37 (hg19) VCF-style: chr15-77150200-C-G.
Other names: c.-820G>C (NM_001145923.2); c.145G>C, p.Gly49Arg (NM_001353009.2); c.-313G>C (NM_001353010.2); c.-376G>C (NM_001353011.2); c.-258G>C (NM_001353012.2); c.145G>C (NM_001353009.1); short protein forms G49R.
Identifiers: ClinVar variation 2361501 (VCV002361501.3), dbSNP rs372176154, ClinGen allele CA7675279.